The following is an entry in ClinVar:

NM_033305.3(VPS13A):c.5131C>G (p.Pro1711Ala)

Gene: VPS13A (vacuolar protein sorting 13 homolog A; plus strand). Cytogenetic location: 9q21.2.
Variant type: single nucleotide variant.
Coding change: c.5131C>G on transcript NM_033305.3 (MANE Select); coding-DNA position 5131, C replaced by G.
Protein change: p.Pro1711Ala; replaces proline 1711 with alanine.
Molecular consequence: missense variant.
Genome position (GRCh38, 1-based): chr9:77,318,409, C>G. VCF-style: chr9-77318409-C-G. GRCh37 (hg19) VCF-style: chr9-79933325-C-G.
Other names: c.5014C>G, p.Pro1672Ala (NM_001018037.2); c.5131C>G, p.Pro1711Ala (NM_001018038.3, NM_015186.4); short protein forms P1711A, P1672A.
Identifiers: ClinVar variation 3332149 (VCV003332149.3).

ClinVar aggregate classification (germline): Uncertain significance. Review status: criteria provided, multiple submitters, no conflicts (2 of 4 stars). 2 submissions from 2 submitters: Uncertain significance (2). Last evaluated 2024-08-30.

Conditions:
Inborn genetic diseases. Identifiers: MedGen C0950123, MeSH D030342.

Submissions (2):

Labcorp Genetics (formerly Invitae), Labcorp
Classification: Uncertain significance. Last evaluated: 2024-08-30. Review status: criteria provided, single submitter. Criteria: Invitae Variant Classification Sherloc (09022015). Collection method: clinical testing. Allele origin: germline.
Comment: This sequence change replaces proline, which is neutral and non-polar, with alanine, which is neutral and non-polar, at codon 1711 of the VPS13A protein (p.Pro1711Ala). This variant is present in population databases (rs770391499, gnomAD 0.004%). This variant has not been reported in the literature in individuals affected with VPS13A-related conditions. An algorithm developed to predict the effect of missense changes on protein structure and function outputs the following: PolyPhen-2: "Benign". The alanine amino acid residue is found in multiple mammalian species, which suggests that this missense change does not adversely affect protein function. In summary, the available evidence is currently insufficient to determine the role of this variant in disease. Therefore, it has been classified as a Variant of Uncertain Significance.

Ambry Genetics
Classification: Uncertain significance for Inborn genetic diseases. Last evaluated: 2024-03-18. Review status: criteria provided, single submitter. Criteria: Ambry Variant Classification Scheme 2023. Collection method: clinical testing. Allele origin: germline.